The following is an entry in ClinVar:

ClinVar aggregate classification (germline): Uncertain significance (1 of 4 stars; one submission).

Conditions:
T-cell immunodeficiency with epidermodysplasia verruciformis. Identifiers: Orphanet 324294, MedGen C4749500, MONDO:0017925.

Allele frequency attached by ClinVar (database versions not stated): gnomAD exomes below 0.00001.
gnomAD v4.1: 1 of 1,614,168 alleles (0.000062%); highest among the groups gnomAD compares: Admixed American, 0.0017%; no homozygotes.

Submission:

Labcorp Genetics (formerly Invitae), Labcorp
Classification: Uncertain significance for T-cell immunodeficiency with epidermodysplasia verruciformis. Last evaluated: 2019-03-21. Review status: criteria provided, single submitter. Criteria: Invitae Variant Classification Sherloc (09022015). Collection method: clinical testing. Allele origin: germline.
Comment: In summary, the available evidence is currently insufficient to determine the role of this variant in disease. Therefore, it has been classified as a Variant of Uncertain Significance. Algorithms developed to predict the effect of sequence changes on RNA splicing suggest that this variant may create or strengthen a splice site, but this prediction has not been confirmed by published transcriptional studies. Algorithms developed to predict the effect of missense changes on protein structure and function (SIFT, PolyPhen-2, Align-GVGD) all suggest that this variant is likely to be tolerated, but these predictions have not been confirmed by published functional studies and their clinical significance is uncertain. This variant has not been reported in the literature in individuals with RHOH-related conditions. This variant is not present in population databases (ExAC no frequency). This sequence change replaces methionine with valine at codon 81 of the RHOH protein (p.Met81Val). The methionine residue is moderately conserved and there is a small physicochemical difference between methionine and valine.

NM_004310.5(RHOH):c.241A>G (p.Met81Val)

Gene: RHOH (ras homolog family member H; plus strand). Cytogenetic location: 4p14.
Variant type: single nucleotide variant.
Coding change: c.241A>G on transcript NM_004310.5 (MANE Select); coding-DNA position 241, A replaced by G.
Protein change: p.Met81Val; replaces methionine 81 with valine.
Molecular consequence: missense variant.
Genome position (GRCh38, 1-based): chr4:40,243,627, A>G. VCF-style: chr4-40243627-A-G. GRCh37 (hg19) VCF-style: chr4-40245247-A-G.
Other names: c.241A>G, p.Met81Val (NM_001278359.2, NM_001278360.2, NM_001278361.2 and 8 more transcripts); short protein forms M81V.
Identifiers: ClinVar variation 841724 (VCV000841724.7), dbSNP rs1729532222, ClinGen allele CA356782170.